The following is an entry in ClinVar:

NM_024649.5(BBS1):c.48-1G>A

Gene: BBS1 (Bardet-Biedl syndrome 1; plus strand). Cytogenetic location: 11q13.2.
Variant type: single nucleotide variant.
Coding change: c.48-1G>A on transcript NM_024649.5 (MANE Select); the canonical splice acceptor site of the intron before coding-DNA position 48, G replaced by A.
Molecular consequence: splice acceptor variant.
Genome position (GRCh38, 1-based): chr11:66,511,012, G>A. VCF-style: chr11-66511012-G-A. GRCh37 (hg19) VCF-style: chr11-66278483-G-A.
Other names: c.48-1G>A (NM_024649.4).
Identifiers: ClinVar variation 1299580 (VCV001299580.11), dbSNP rs751753112, ClinGen allele CA6123223.

ClinVar aggregate classification (germline): Pathogenic. Review status: criteria provided, multiple submitters, no conflicts (2 of 4 stars). 5 submissions from 5 submitters: Pathogenic (5). Last evaluated 2025-08-22.

Conditions:
Bardet-Biedl syndrome (BBS). Identifiers: Orphanet 110, MedGen C0752166, MONDO:0015229.
Bardet-Biedl syndrome 1 (BBS1). Identifiers: MedGen C2936862, MONDO:0008854, OMIM 209900. Disease mechanism: loss of function.
Retinal dystrophy. Also called: Inherited retinal dystrophy. Identifiers: Orphanet 71862, MedGen C0854723, MeSH D058499, MONDO:0019118, HP:0000556.

Allele frequency attached by ClinVar (database versions not stated): ExAC 0.00001.
gnomAD v4.1: 4 of 1,614,076 alleles (0.00025%); highest among the groups gnomAD compares: Non-Finnish European, 0.00034%; no homozygotes.

Submissions (5):

Natera, Inc.
Classification: Pathogenic for Bardet-Biedl syndrome type 1. Last evaluated: 2025-08-22. Review status: criteria provided, single submitter. Criteria: Natera Variant Classification Schema (03/2026). Collection method: clinical testing. Allele origin: germline.
Comment: The c.48-1G>A variant in BBS1 is a canonical splice acceptor site variant predicted to affect pre-mRNA splicing, which may result in an abnormal transcript and altered protein product. This variant is expected to result in nonsense mediated decay, truncation, or a dysfunctional protein product. This variant is rare in the general population with a frequency below the threshold expected for the associated phenotype(s). This variant has been observed in one or more individuals affected with the associated recessive disease, as either homozygous or compound heterozygous with a second variant (PMID: 19797195). Given the available evidence, this variant is classified as Pathogenic.

Baylor Genetics
Classification: Pathogenic for Bardet-Biedl syndrome 1. Last evaluated: 2023-11-11. Review status: criteria provided, single submitter. Criteria: ACMG Guidelines, 2015. Collection method: clinical testing. Allele origin: unknown.

Labcorp Genetics (formerly Invitae), Labcorp
Classification: Pathogenic for Bardet-Biedl syndrome. Last evaluated: 2022-04-05. Review status: criteria provided, single submitter. Criteria: Invitae Variant Classification Sherloc (09022015). Collection method: clinical testing. Allele origin: germline.
Comment: Disruption of this splice site has been observed in individual(s) with Bardet-Biedl syndrome (PMID: 19797195). This sequence change affects an acceptor splice site in intron 1 of the BBS1 gene. It is expected to disrupt RNA splicing. Variants that disrupt the donor or acceptor splice site typically lead to a loss of protein function (PMID: 16199547), and loss-of-function variants in BBS1 are known to be pathogenic (PMID: 12118255, 21520335, 27032803). This variant is present in population databases (rs751753112, gnomAD 0.0009%). ClinVar contains an entry for this variant (Variation ID: 1299580). Algorithms developed to predict the effect of sequence changes on RNA splicing suggest that this variant may disrupt the consensus splice site. For these reasons, this variant has been classified as Pathogenic.

Laboratory of Medical Genetics, National & Kapodistrian University of Athens
Classification: Pathogenic for Bardet-Biedl syndrome 1. Last evaluated: 2021-10-05. Review status: criteria provided, single submitter. Criteria: ACMG Guidelines, 2015. Collection method: clinical testing. Allele origin: paternal. Affected: yes.
Comment: PVS1, PM2, PP3, PP5

Institute of Human Genetics, Univ. Regensburg, Univ. Regensburg
Classification: Pathogenic for Retinal dystrophy. Last evaluated: 2013-01-01. Review status: criteria provided, single submitter. Criteria: ACMG Guidelines, 2015. Collection method: clinical testing. Allele origin: germline. Affected: yes.

Literature cited by the submitters: PubMed 19797195 (cited by 3 submitters); PubMed 16199547 (cited by Labcorp Genetics (formerly Invitae), Labcorp); PubMed 12118255 (cited by Labcorp Genetics (formerly Invitae), Labcorp); PubMed 21520335 (cited by Labcorp Genetics (formerly Invitae), Labcorp); PubMed 27032803 (cited by Labcorp Genetics (formerly Invitae), Labcorp); PubMed 25525159 (cited by Institute of Human Genetics, Univ. Regensburg, Univ. Regensburg); PubMed 31964843 (cited by Institute of Human Genetics, Univ. Regensburg, Univ. Regensburg); PubMed 35481623 (cited by Institute of Human Genetics, Univ. Regensburg, Univ. Regensburg).